The following is an entry in ClinVar:

NM_007289.4(MME):c.1066A>T (p.Lys356Ter)

Gene: MME (membrane metalloendopeptidase; plus strand). Cytogenetic location: 3q25.2.
Variant type: single nucleotide variant.
Coding change: c.1066A>T on transcript NM_007289.4 (MANE Select); coding-DNA position 1066, A replaced by T.
Protein change: p.Lys356Ter; replaces lysine 356 with a stop codon.
Molecular consequence: nonsense.
Genome position (GRCh38, 1-based): chr3:155,142,099, A>T. VCF-style: chr3-155142099-A-T. GRCh37 (hg19) VCF-style: chr3-154859888-A-T.
Other names: c.1066A>T, p.Lys356Ter (NM_000902.5, NM_001354642.2, NM_001354643.1 and 2 more transcripts); short protein forms K356*.
Identifiers: ClinVar variation 2759674 (VCV002759674.4), dbSNP rs2473073611, ClinGen allele CA355129958.

ClinVar aggregate classification (germline): Pathogenic. Review status: criteria provided, multiple submitters, no conflicts (2 of 4 stars). 2 submissions from 2 submitters: Pathogenic (2). Last evaluated 2024-06-18.

Conditions:
Charcot-Marie-Tooth disease axonal type 2T. Identifiers: Orphanet 443950, MedGen C4015635, OMIM 617017, MONDO:0014866.

Submissions (2):

Kariminejad - Najmabadi Pathology & Genetics Center
Classification: Pathogenic for Charcot-Marie-Tooth disease axonal type 2T. Last evaluated: 2024-06-18. Review status: criteria provided, single submitter. Criteria: ACMG Guidelines, 2015. Collection method: clinical testing. Allele origin: germline. Inheritance: Autosomal recessive inheritance. Affected: yes.
Comment: PVS1_vs,PM2,PP5

Labcorp Genetics (formerly Invitae), Labcorp
Classification: Pathogenic. Last evaluated: 2023-09-10. Review status: criteria provided, single submitter. Criteria: Invitae Variant Classification Sherloc (09022015). Collection method: clinical testing. Allele origin: germline.
Comment: Algorithms developed to predict the effect of sequence changes on RNA splicing suggest that this variant may disrupt the consensus splice site. For these reasons, this variant has been classified as Pathogenic. This sequence change creates a premature translational stop signal (p.Lys356*) in the MME gene. It is expected to result in an absent or disrupted protein product. Loss-of-function variants in MME are known to be pathogenic (PMID: 26991897). This variant is not present in population databases (gnomAD no frequency). This variant has not been reported in the literature in individuals affected with MME-related conditions.

Literature cited by the submitters: PubMed 26991897 (cited by Labcorp Genetics (formerly Invitae), Labcorp).